The following is an entry in ClinVar:

ClinVar aggregate classification (germline): Uncertain significance (1 of 4 stars; one submission).

gnomAD v4.1: 1 of 1,611,796 alleles (0.000062%); no homozygotes.

Submission:

GeneDx
Classification: Uncertain significance. Last evaluated: 2026-02-28. Review status: criteria provided, single submitter. Criteria: GeneDx Variant Classification Process June 2021. Collection method: clinical testing. Allele origin: germline.
Comment: Not observed at significant frequency in large population cohorts (gnomAD); In silico analysis supports that this missense variant has a deleterious effect on protein structure/function; Has not been previously published as pathogenic or benign to our knowledge

NM_014458.4(KLHL20):c.1187T>C (p.Val396Ala)

Gene: KLHL20 (kelch like family member 20; plus strand). Cytogenetic location: 1q25.1.
Variant type: single nucleotide variant.
Coding change: c.1187T>C on transcript NM_014458.4 (MANE Select); coding-DNA position 1187, T replaced by C.
Protein change: p.Val396Ala; replaces valine 396 with alanine.
Molecular consequence: missense variant.
Genome position (GRCh38, 1-based): chr1:173,766,181, T>C. VCF-style: chr1-173766181-T-C. GRCh37 (hg19) VCF-style: chr1-173735320-T-C.
Other names: short protein forms V396A.
Identifiers: ClinVar variation 5008068 (VCV005008068.1).
Genomic context (GRCh38, chr1:173,766,181, plus strand): 5'-TCTCCTCTTGGTATGTTCTTTTCAGGTATGACCCCAAAACAAACCAGTGGAGCAGTGATG[T>C]GGCCCCTACAAGCACCTGCAGGACAAGTGTTGGTGTAGCAGTACTTGGAGGCTTTCTTTA-3'
Protein context (NP_055273.2, residues 386-406): DPKTNQWSSD[Val396Ala]APTSTCRTSV